The following is an entry in ClinVar:

NM_198904.4(GABRG2):c.808A>G (p.Arg270Gly)

Gene: GABRG2 (gamma-aminobutyric acid type A receptor subunit gamma2; plus strand). Cytogenetic location: 5q34.
Variant type: single nucleotide variant.
Coding change: c.808A>G on transcript NM_198904.4 (MANE Select); coding-DNA position 808, A replaced by G.
Protein change: p.Arg270Gly; replaces arginine 270 with glycine.
Molecular consequence: missense variant.
Genome position (GRCh38, 1-based): chr5:162,142,202, A>G. VCF-style: chr5-162142202-A-G. GRCh37 (hg19) VCF-style: chr5-161569208-A-G.
Other names: p.R270G:AGA>GGA; c.808A>G, p.Arg270Gly (NM_000816.3, NM_001375340.1); c.799A>G, p.Arg267Gly (NM_001375339.1); c.805A>G, p.Arg269Gly (NM_001375341.1, NM_001375342.1); c.928A>G, p.Arg310Gly (NM_001375343.1, NM_198903.2); c.847A>G, p.Arg283Gly (NM_001375344.1); c.742A>G, p.Arg248Gly (NM_001375345.1, NM_001375346.1); c.721A>G, p.Arg241Gly (NM_001375347.1); and 2 more; short protein forms R270G, R310G, R130G, R175G, R241G, R248G, R267G, R269G.
Identifiers: ClinVar variation 205563 (VCV000205563.5), dbSNP rs796052520, ClinGen allele CA314772.
Genomic context (GRCh38, chr5:162,142,202, plus strand): 5'-TGTTATCTTTGGTCTGTTCCAGGAGATTATGTGGTCATGTCTGTCTACTTTGATCTGAGC[A>G]GAAGAATGGGATACTTTACCATCCAGACCTATATCCCCTGCACACTCATTGTCGTCCTAT-3'
Protein context (NP_944494.1, residues 260-280): VVMSVYFDLS[Arg270Gly]RMGYFTIQTY

ClinVar aggregate classification (germline): Conflicting classifications of pathogenicity. Review status: criteria provided, conflicting classifications (1 of 4 stars). 2 submissions from 2 submitters: Likely pathogenic (1); Uncertain significance (1). Last evaluated 2017-11-14.

Conditions:
Inborn genetic diseases. Identifiers: MedGen C0950123, MeSH D030342.

Submissions (2):

Ambry Genetics
Classification: Likely pathogenic for Inborn genetic diseases. Last evaluated: 2017-11-14. Review status: criteria provided, single submitter. Criteria: Ambry exome assertion method (8-5-2015). Collection method: clinical testing. Allele origin: germline. Affected: yes. Observed: 1 variant allele.

GeneDx
Classification: Uncertain significance. Last evaluated: 2014-11-18. Review status: criteria provided, single submitter. Criteria: GeneDx Variant Classification (06012015). Collection method: clinical testing. Allele origin: germline. Affected: yes.
Comment: p.Arg270Gly (AGA>GGA): c.808 A>G in exon 7 of the GABRG2 gene (NM_000816.3) The R270G variant has not been published as a mutation, nor has it been reported as a benign polymorphism to our knowledge. It was not observed in approximately 6,500 individuals of European and African American ancestry in the NHLBI Exome Sequencing Project, indicating it is not a common benign variant in these populations. The R270G variant is a non-conservative amino acid substitution, which is likely to impact secondary protein structure as these residues differ in polarity, charge, size and/or other properties. This substitution occurs at a position that is highly conserved across species, and in silico analysis predicts this variant is probably damaging to the protein structure/function. However, other missense mutations in nearby residues have not been reported. Therefore, based on the currently available information, it is unclear whether the R270G variant is a pathogenic mutation or a rare benign variant. The variant is found in EPILEPSY panel(s).